The following is an entry in ClinVar:

NM_000071.3(CBS):c.430G>T (p.Glu144Ter)

Gene: CBS (cystathionine beta-synthase; minus strand). Cytogenetic location: 21q22.3.
Variant type: single nucleotide variant.
Coding change: c.430G>T on transcript NM_000071.3 (MANE Select); coding-DNA position 430, G replaced by T.
Protein change: p.Glu144Ter; replaces glutamic acid 144 with a stop codon.
Molecular consequence: nonsense.
Genome position (GRCh38, 1-based): chr21:43,066,264, C>A on the plus strand (G>T on the coding strand, the complement: CBS is on the minus strand). VCF-style: chr21-43066264-C-A. GRCh37 (hg19) VCF-style: chr21-44486374-C-A.
Other names: c.430G>T, p.Glu144Ter (NM_001178008.3, NM_001178009.3, NM_001320298.2); c.115G>T, p.Glu39Ter (NM_001321072.1); short protein forms E144*, E39*.
Identifiers: ClinVar variation 984019 (VCV000984019.3), dbSNP rs121964966, ClinGen allele CA410601677.

ClinVar aggregate classification (germline): Likely pathogenic (1 of 4 stars; one submission).

Conditions:
Classic homocystinuria. Also called: Homocystinuria due to Cystathionine Beta-Synthase Deficiency; HOMOCYSTINURIA WITH OR WITHOUT RESPONSE TO PYRIDOXINE; Homocystinuria due to CBS deficiency; Cystathionine beta-synthase deficiency; CBS deficiency. Identifiers: Orphanet 394, MedGen C0751202, MONDO:0009352, OMIM 236200.

Submission:

Myriad Genetics, Inc.
Classification: Likely pathogenic for Classic homocystinuria. Last evaluated: 2019-03-30. Review status: criteria provided, single submitter. Criteria: Myriad Women's Health Autosomal Recessive and X-Linked Classification Criteria (2019). Collection method: clinical testing. Allele origin: unknown.
Comment: NM_000071.2(CBS):c.430G>T(E144*) is expected to be pathogenic in the context of homocystinuria, CBS-related. This variant is predicted to lead to an abnormal or absent protein product due to the creation of a premature termination codon in CBS, a gene where loss-of-function variants are known to be pathogenic. Please note: this variant was assessed in the context of healthy population screening.